The following is an entry in ClinVar:

NM_003172.4(SURF1):c.884G>A (p.Arg295His)

Gene: SURF1 (SURF1 cytochrome c oxidase assembly factor; minus strand). Cytogenetic location: 9q34.2.
Variant type: single nucleotide variant.
Coding change: c.884G>A on transcript NM_003172.4 (MANE Select); coding-DNA position 884, G replaced by A.
Protein change: p.Arg295His; replaces arginine 295 with histidine.
Molecular consequence: missense variant.
Genome position (GRCh38, 1-based): chr9:133,351,932, C>T on the plus strand (G>A on the coding strand, the complement: SURF1 is on the minus strand). VCF-style: chr9-133351932-C-T. GRCh37 (hg19) VCF-style: chr9-136218787-C-T.
Other names: p.Arg295His; c.557G>A, p.Arg186His (NM_001280787.1); short protein forms R186H, R295H.
Identifiers: ClinVar variation 2067649 (VCV002067649.2), dbSNP rs369247238, ClinGen allele CA200831887.

ClinVar aggregate classification (germline): Uncertain significance. Review status: criteria provided, multiple submitters, no conflicts (2 of 4 stars). 2 submissions from 2 submitters: Uncertain significance (2). Last evaluated 2024-01-31.

Conditions:
Leigh syndrome (NULS). Also called: Leigh's necrotizing encephalopathy; Leigh's disease; Leigh Syndrome (mtDNA deletion); LEIGH SYNDROME, NUCLEAR; Leigh's syndrome; Leigh Disease. Identifiers: Orphanet 506, MedGen C2931891, MONDO:0009723, OMIM 256000.

Allele frequency attached by ClinVar (database versions not stated): gnomAD 0.00018.

Submissions (2):

Mayo Clinic Laboratories, Mayo Clinic
Classification: Uncertain significance. Last evaluated: 2024-01-31. Review status: criteria provided, single submitter. Criteria: ACMG Guidelines, 2015. Collection method: clinical testing. Allele origin: germline. Observed: 1 variant allele.

Labcorp Genetics (formerly Invitae), Labcorp
Classification: Uncertain significance for Leigh syndrome. Last evaluated: 2022-10-18. Review status: criteria provided, single submitter. Criteria: Invitae Variant Classification Sherloc (09022015). Collection method: clinical testing. Allele origin: germline.
Comment: This sequence change replaces arginine, which is basic and polar, with histidine, which is basic and polar, at codon 295 of the SURF1 protein (p.Arg295His). This variant is present in population databases (rs369247238, gnomAD 0.04%). This variant has not been reported in the literature in individuals affected with SURF1-related conditions. Algorithms developed to predict the effect of missense changes on protein structure and function output the following: SIFT: "Deleterious"; PolyPhen-2: "Benign"; Align-GVGD: "Class C0". The histidine amino acid residue is found in multiple mammalian species, which suggests that this missense change does not adversely affect protein function. In summary, the available evidence is currently insufficient to determine the role of this variant in disease. Therefore, it has been classified as a Variant of Uncertain Significance.